The following is an entry in ClinVar:

NM_003070.5(SMARCA2):c.791-7C>T

Gene: SMARCA2 (SWI/SNF related BAF chromatin remodeling complex subunit ATPase 2; plus strand). Cytogenetic location: 9p24.3.
Variant type: single nucleotide variant.
Coding change: c.791-7C>T on transcript NM_003070.5 (MANE Select); 7 bases into the intron before coding-DNA position 791, C replaced by T.
Molecular consequence: intron variant.
Genome position (GRCh38, 1-based): chr9:2,047,222, C>T. VCF-style: chr9-2047222-C-T. GRCh37 (hg19) VCF-style: chr9-2047222-C-T.
Other names: c.791-7C>T (NM_139045.4, NM_001289397.2, NM_001289396.2).
Identifiers: ClinVar variation 366204 (VCV000366204.12), dbSNP rs558585794, ClinGen allele CA10627056.

ClinVar aggregate classification (germline): Benign/Likely benign. Review status: criteria provided, multiple submitters, no conflicts (2 of 4 stars). 4 submissions from 4 submitters: Benign (1); Likely benign (3). Last evaluated 2024-10-28.

Conditions:
Nicolaides-Baraitser syndrome (NCBRS). Also called: SMARCA2-Related Nicolaides-Baraitser Syndrome; Intellectual disability-sparse hair-brachydactyly syndrome. Identifiers: Orphanet 3051, MedGen C1303073, MONDO:0011053, OMIM 601358.

Allele frequency attached by ClinVar (database versions not stated): gnomAD 0.00001 and 0.00012; TOPMed 0.00001; gnomAD exomes 0.00006; 1000 Genomes Project 0.00040; 1000 Genomes Project 30x 0.00078.
gnomAD v4.1: 81 of 1,010,506 alleles (0.008%); highest among the groups gnomAD compares: South Asian, 0.31%; no homozygotes.

Submissions (4):

Blueprint Genetics
Classification: Likely benign. Last evaluated: 2024-10-28. Review status: criteria provided, single submitter. Criteria: ACMG Guidelines, 2015. Collection method: clinical testing. Allele origin: germline.

Labcorp Genetics (formerly Invitae), Labcorp
Classification: Likely benign. Last evaluated: 2024-04-17. Review status: criteria provided, single submitter. Criteria: Invitae Variant Classification Sherloc (09022015). Collection method: clinical testing. Allele origin: germline.

GeneDx
Classification: Likely benign. Last evaluated: 2020-08-25. Review status: criteria provided, single submitter. Criteria: GeneDx Variant Classification Process June 2021. Collection method: clinical testing. Allele origin: germline. Affected: yes.

Illumina Laboratory Services, Illumina
Classification: Benign for Nicolaides-Baraitser syndrome. Last evaluated: 2018-01-13. Review status: criteria provided, single submitter. Criteria: ICSL Variant Classification Criteria 13 December 2019. Collection method: clinical testing. Allele origin: germline.
Comment: This variant was observed in the ICSL laboratory as part of a predisposition screen in an ostensibly healthy population. It had not been previously curated by ICSL or reported in the Human Gene Mutation Database (HGMD: prior to June 1st, 2018), and was therefore a candidate for classification through an automated scoring system. Utilizing variant allele frequency, disease prevalence and penetrance estimates, and inheritance mode, an automated score was calculated to assess if this variant is too frequent to cause the disease. Based on the score and internal cut-off values, a variant classified as benign is not then subjected to further curation. The score for this variant resulted in a classification of benign for this disease.